The following is an entry in ClinVar:

NM_020964.3(EPG5):c.437C>T (p.Ser146Leu)

Gene: EPG5 (ectopic P-granules 5 autophagy tethering factor; minus strand). Cytogenetic location: 18q21.1.
Variant type: single nucleotide variant.
Coding change: c.437C>T on transcript NM_020964.3 (MANE Select); coding-DNA position 437, C replaced by T.
Protein change: p.Ser146Leu; replaces serine 146 with leucine.
Molecular consequence: missense variant.
Genome position (GRCh38, 1-based): chr18:45,954,965, G>A on the plus strand (C>T on the coding strand, the complement: EPG5 is on the minus strand). VCF-style: chr18-45954965-G-A. GRCh37 (hg19) VCF-style: chr18-43534931-G-A.
Other names: c.437C>T (NM_020964.2); short protein forms S146L.
Identifiers: ClinVar variation 1003694 (VCV001003694.8), dbSNP rs368719987, ClinGen allele CA299792430.
Genomic context (GRCh38, chr18:45,954,965, plus strand): 5'-GCTGGCTGAGTATAAGAAAAATTAGATTGGGGTGCACTTTCTGAAAGTCCACCTTGTACC[G>A]ACATATTTTCCTCTACCTCTGTGAAGTTCTTGGGGGTTTCTACTTTAGTTCCAACATTGT-3'
Protein context (NP_066015.2, residues 136-156): KNFTEVEENM[Ser146Leu]VQGGLSESAP

ClinVar aggregate classification (germline): Conflicting classifications of pathogenicity. Review status: criteria provided, conflicting classifications (1 of 4 stars). 2 submissions from 2 submitters: Uncertain significance (1); Likely benign (1). Last evaluated 2025-04-29.

Conditions:
Vici syndrome (VICIS). Identifiers: Orphanet 1493, MedGen C1855772, MONDO:0009452, OMIM 242840.
Inborn genetic diseases. Identifiers: MedGen C0950123, MeSH D030342.

Allele frequency attached by ClinVar (database versions not stated): TOPMed 0.00001; gnomAD exomes 0.00001.
gnomAD v4.1: 7 of 1,613,864 alleles (0.00043%); highest among the groups gnomAD compares: Non-Finnish European, 0.00059%; no homozygotes.

Submissions (2):

Ambry Genetics
Classification: Likely benign for Inborn genetic diseases. Last evaluated: 2025-04-29. Review status: criteria provided, single submitter. Criteria: Ambry Variant Classification Scheme 2023. Collection method: clinical testing. Allele origin: germline.

Labcorp Genetics (formerly Invitae), Labcorp
Classification: Uncertain significance for Vici syndrome. Last evaluated: 2022-07-02. Review status: criteria provided, single submitter. Criteria: Invitae Variant Classification Sherloc (09022015). Collection method: clinical testing. Allele origin: germline.
Comment: This sequence change replaces serine, which is neutral and polar, with leucine, which is neutral and non-polar, at codon 146 of the EPG5 protein (p.Ser146Leu). This variant is not present in population databases (gnomAD no frequency). This variant has not been reported in the literature in individuals affected with EPG5-related conditions. ClinVar contains an entry for this variant (Variation ID: 1003694). Algorithms developed to predict the effect of missense changes on protein structure and function output the following: SIFT: "Tolerated"; PolyPhen-2: "Benign"; Align-GVGD: "Class C0". The leucine amino acid residue is found in multiple mammalian species, which suggests that this missense change does not adversely affect protein function. In summary, the available evidence is currently insufficient to determine the role of this variant in disease. Therefore, it has been classified as a Variant of Uncertain Significance.